The following is an entry in ClinVar:

ClinVar aggregate classification (germline): Likely benign (1 of 4 stars; one submission).

Submission:

CeGaT Center for Human Genetics Tuebingen
Classification: Likely benign. Last evaluated: 2026-06-01. Review status: criteria provided, single submitter. Criteria: CeGaT Center For Human Genetics Tuebingen Variant Classification Criteria Version 2. Collection method: clinical testing. Allele origin: germline. Affected: yes. Observed: 1 variant allele.
Comment: RORA: PP3, BS1

NM_134261.3(RORA):c.649G>A (p.Ala217Thr)

Genes: RORA (RAR related orphan receptor A; minus strand), RORA-AS1 (RORA antisense RNA 1; plus strand). Cytogenetic location: 15q22.2.
Variant type: single nucleotide variant.
Coding change: c.649G>A on transcript NM_134261.3 (MANE Select); coding-DNA position 649, G replaced by A.
Protein change: p.Ala217Thr; replaces alanine 217 with threonine.
Molecular consequence: missense variant.
Genome position (GRCh38, 1-based): chr15:60,511,397, C>T on the plus strand (G>A on the coding strand, the complement: RORA is on the minus strand). VCF-style: chr15-60511397-C-T. GRCh37 (hg19) VCF-style: chr15-60803596-C-T.
Other names: c.724G>A, p.Ala242Thr (NM_002943.4); c.748G>A, p.Ala250Thr (NM_134260.3); c.484G>A, p.Ala162Thr (NM_134262.3); short protein forms A162T, A217T, A242T, A250T.
Identifiers: ClinVar variation 4873314 (VCV004873314.2).